The following is an entry in ClinVar:

NM_001613.4(ACTA2):c.277T>C (p.Tyr93His)

Gene: ACTA2 (actin alpha 2, smooth muscle; minus strand). Cytogenetic location: 10q23.31.
Variant type: single nucleotide variant.
Coding change: c.277T>C on transcript NM_001613.4 (MANE Select); coding-DNA position 277, T replaced by C.
Protein change: p.Tyr93His; replaces tyrosine 93 with histidine.
Molecular consequence: missense variant. On other transcripts: intron variant (1).
Genome position (GRCh38, 1-based): chr10:88,943,889, A>G on the plus strand (T>C on the coding strand, the complement: ACTA2 is on the minus strand). VCF-style: chr10-88943889-A-G. GRCh37 (hg19) VCF-style: chr10-90703646-A-G.
Other names: c.277T>C, p.Tyr93His (NM_001141945.3, NM_001320855.2, NM_001406462.1 and 3 more transcripts); c.148T>C, p.Tyr50His (NM_001406467.1, NM_001406468.1, NM_001406469.1); c.259-2020T>C (NM_001406466.1); short protein forms Y50H, Y93H.
Identifiers: ClinVar variation 4745395 (VCV004745395.1).

ClinVar aggregate classification (germline): Uncertain significance (1 of 4 stars; one submission).

Conditions:
Aortic aneurysm, familial thoracic 6 (AAT6). Also called: FAMILIAL THORACIC AORTIC ANEURYSM WITH LIVEDO RETICULARIS AND IRIS FLOCCULI. Identifiers: MedGen C2673186, MONDO:0012730, OMIM 611788.

gnomAD v4.1: 1 of 1,614,014 alleles (0.000062%); no homozygotes.

Submission:

Labcorp Genetics (formerly Invitae), Labcorp
Classification: Uncertain significance for Aortic aneurysm, familial thoracic 6. Last evaluated: 2025-08-29. Review status: criteria provided, single submitter. Criteria: Invitae Variant Classification Sherloc (09022015). Collection method: clinical testing. Allele origin: germline.
Comment: This sequence change replaces tyrosine, which is neutral and polar, with histidine, which is basic and polar, at codon 93 of the ACTA2 protein (p.Tyr93His). This variant is not present in population databases (gnomAD no frequency). This variant has not been reported in the literature in individuals affected with ACTA2-related conditions. Invitae Evidence Modeling of protein sequence and biophysical properties (such as structural, functional, and spatial information, amino acid conservation, physicochemical variation, residue mobility, and thermodynamic stability) indicates that this missense variant is not expected to disrupt ACTA2 protein function with a negative predictive value of 80%. In summary, the available evidence is currently insufficient to determine the role of this variant in disease. Therefore, it has been classified as a Variant of Uncertain Significance.